The following is an entry in ClinVar:

NM_024408.4(NOTCH2):c.1915+2dup

Gene: NOTCH2 (notch receptor 2; minus strand). Cytogenetic location: 1p12.
Variant type: Duplication.
Coding change: c.1915+2dup on transcript NM_024408.4 (MANE Select); the canonical splice donor site of the intron after coding-DNA position 1915, one base duplicated (T; older notation c.1915+2dupT).
Molecular consequence: splice donor variant.
Genome position (GRCh38, 1-based): chr1:119,963,572, A duplicated on the plus strand (T on the coding strand, the reverse complement: NOTCH2 is on the minus strand). VCF-style (leftmost placement, unchanged base first): chr1-119963571-T-TA. GRCh37 (hg19) VCF-style: chr1-120506194-T-TA.
Other names: c.1915+2dup (NM_001200001.2); c.1915+2dupT (NM_024408.3).
Identifiers: ClinVar variation 656195 (VCV000656195.1), dbSNP rs1570696957, ClinGen allele CA915941400.
Genomic context (GRCh38, chr1:119,963,571, plus strand): 5'-CTGTGTAAACAGATTTGAGAAACAGTGAAAACCCCATACCAAACATAAACAGAGTGGGCT[T>TA]ACCTGACGTGCCTGGCTGGCAGTTGCACTGGTAGCCATTGACCAGGTCAATGCAGCGACC-3'

ClinVar aggregate classification (germline): Uncertain significance (1 of 4 stars; one submission).

Conditions:
Hajdu-Cheney syndrome (HJCYS). Also called: SERPENTINE FIBULA-POLYCYSTIC KIDNEY SYNDROME; ACROOSTEOLYSIS WITH OSTEOPOROSIS AND CHANGES IN SKULL AND MANDIBLE; Acroosteolysis dominant type. Identifiers: Orphanet 955, MedGen C0917715, MONDO:0007057, OMIM 102500.

Submission:

Labcorp Genetics (formerly Invitae), Labcorp
Classification: Uncertain significance for Hajdu-Cheney syndrome. Last evaluated: 2019-01-09. Review status: criteria provided, single submitter. Criteria: Invitae Variant Classification Sherloc (09022015). Collection method: clinical testing. Allele origin: germline.
Comment: This sequence change falls in intron 11 of the NOTCH2 gene. It does not directly change the encoded amino acid sequence of the NOTCH2 protein, but it affects a nucleotide within the consensus splice site of the intron. This variant is not present in population databases (ExAC no frequency). This variant has not been reported in the literature in individuals with NOTCH2-related disease. Nucleotide substitutions within the consensus splice site are a relatively common cause of aberrant splicing (PMID: 17576681, 9536098). Algorithms developed to predict the effect of sequence changes on RNA splicing suggest that this variant may disrupt the consensus splice site, but this prediction has not been confirmed by published transcriptional studies. In summary, the available evidence is currently insufficient to determine the role of this variant in disease. Therefore, it has been classified as a Variant of Uncertain Significance.